The following is an entry in ClinVar:

NM_016729.3(FOLR1):c.611G>A (p.Arg204Gln)

Genes: FOLR1-AS1 (FOLR1 antisense RNA 1; minus strand), FOLR1 (folate receptor alpha; plus strand). Cytogenetic location: 11q13.4.
Variant type: single nucleotide variant.
Coding change: c.611G>A on transcript NM_016729.3 (MANE Select); coding-DNA position 611, G replaced by A.
Protein change: p.Arg204Gln; replaces arginine 204 with glutamine.
Molecular consequence: missense variant.
Genome position (GRCh38, 1-based): chr11:72,196,014, G>A. VCF-style: chr11-72196014-G-A. GRCh37 (hg19) VCF-style: chr11-71907058-G-A.
Other names: c.611G>A, p.Arg204Gln (NM_000802.3, NM_016724.3, NM_016725.3); short protein forms R204Q.
Identifiers: ClinVar variation 205456 (VCV000205456.8), dbSNP rs377725668, ClinGen allele CA314547.

ClinVar aggregate classification (germline): Uncertain significance. Review status: criteria provided, multiple submitters, no conflicts (2 of 4 stars). 2 submissions from 2 submitters: Uncertain significance (2). Last evaluated 2024-05-24.

Conditions:
Inborn genetic diseases. Identifiers: MedGen C0950123, MeSH D030342.
Cerebral folate transport deficiency. Also called: Neurodegenerative syndrome due to cerebral folate transport deficiency; FOLR1-Related Cerebral Folate Transport Deficiency; FOLATE RECEPTOR DEFICIENCY; NEURODEGENERATION DUE TO CEREBRAL FOLATE TRANSPORT DEFICIENCY; Cerebral folate deficiency syndrome. Identifiers: Orphanet 217382, MedGen C2751584, MONDO:0013110, OMIM 613068. Disease mechanism: loss of function.

Allele frequency attached by ClinVar (database versions not stated): ExAC 0.00002; gnomAD 0.00002; gnomAD exomes 0.00002; TOPMed 0.00004; ESP Exome Variant Server 0.00008.
gnomAD v4.1: 37 of 1,614,082 alleles (0.0023%); highest among the groups gnomAD compares: African/African-American, 0.0067%; no homozygotes.

Submissions (2):

Ambry Genetics
Classification: Uncertain significance for Inborn genetic diseases. Last evaluated: 2024-05-24. Review status: criteria provided, single submitter. Criteria: Ambry Variant Classification Scheme 2023. Collection method: clinical testing. Allele origin: germline.

Labcorp Genetics (formerly Invitae), Labcorp
Classification: Uncertain significance for Cerebral folate transport deficiency. Last evaluated: 2021-08-30. Review status: criteria provided, single submitter. Criteria: Invitae Variant Classification Sherloc (09022015). Collection method: clinical testing. Allele origin: germline.
Comment: This sequence change replaces arginine with glutamine at codon 204 of the FOLR1 protein (p.Arg204Gln). The arginine residue is moderately conserved and there is a small physicochemical difference between arginine and glutamine. This variant is present in population databases (rs377725668, ExAC 0.02%). This variant has not been reported in the literature in individuals affected with FOLR1-related conditions. Algorithms developed to predict the effect of missense changes on protein structure and function output the following: SIFT: "Deleterious"; PolyPhen-2: "Benign"; Align-GVGD: "Class C0". The glutamine amino acid residue is found in multiple mammalian species, which suggests that this missense change does not adversely affect protein function. In summary, the available evidence is currently insufficient to determine the role of this variant in disease. Therefore, it has been classified as a Variant of Uncertain Significance.